The following is an entry in ClinVar:

ClinVar aggregate classification (germline): Uncertain significance (1 of 4 stars; one submission).

gnomAD v4.1: 57 of 1,600,410 alleles (0.0036%); highest among the groups gnomAD compares: Non-Finnish European, 0.0049%; no homozygotes.

Submission:

Labcorp Genetics (formerly Invitae), Labcorp
Classification: Uncertain significance. Last evaluated: 2024-08-14. Review status: criteria provided, single submitter. Criteria: Invitae Variant Classification Sherloc (09022015). Collection method: clinical testing. Allele origin: germline.
Comment: This sequence change replaces phenylalanine, which is neutral and non-polar, with leucine, which is neutral and non-polar, at codon 525 of the GUCY2C protein (p.Phe525Leu). This variant is present in population databases (rs774522580, gnomAD 0.003%). This missense change has been observed in individual(s) with inflammatory bowel disease (PMID: 32084423). Invitae Evidence Modeling of protein sequence and biophysical properties (such as structural, functional, and spatial information, amino acid conservation, physicochemical variation, residue mobility, and thermodynamic stability) indicates that this missense variant is not expected to disrupt GUCY2C protein function with a negative predictive value of 80%. In summary, the available evidence is currently insufficient to determine the role of this variant in disease. Therefore, it has been classified as a Variant of Uncertain Significance.

Literature cited by the submitters: PubMed 32084423.

NM_004963.4(GUCY2C):c.1575C>A (p.Phe525Leu)

Gene: GUCY2C (guanylate cyclase 2C; minus strand). Cytogenetic location: 12p12.3.
Variant type: single nucleotide variant.
Coding change: c.1575C>A on transcript NM_004963.4 (MANE Select); coding-DNA position 1575, C replaced by A.
Protein change: p.Phe525Leu; replaces phenylalanine 525 with leucine.
Molecular consequence: missense variant.
Genome position (GRCh38, 1-based): chr12:14,651,989, G>T on the plus strand (C>A on the coding strand, the complement: GUCY2C is on the minus strand). VCF-style: chr12-14651989-G-T. GRCh37 (hg19) VCF-style: chr12-14804923-G-T.
Other names: short protein forms F525L.
Identifiers: ClinVar variation 3623385 (VCV003623385.2).